The following is an entry in ClinVar:

NM_001005922.1(KRTAP5-1):c.57CGGCTGTGGGGGCTGTGGCTC[1] (p.17CGSGCGG[2])

Genes: KRTAP5-1 (keratin associated protein 5-1; minus strand), KRTAP5-AS1 (KRTAP5-1/KRTAP5-2 antisense RNA 1; plus strand). Cytogenetic location: 11p15.5.
Variant type: Microsatellite.
Coding change: c.57CGGCTGTGGGGGCTGTGGCTC[1] on transcript NM_001005922.1 (MANE Select); one copy of the 21-base unit CGGCTGTGGGGGCTGTGGCTC starting at c.57; the reference has two copies in a row; one copy, 21 bases deleted.
Protein change: p.17CGSGCGG[2].
Molecular consequence: inframe deletion.
Genome position (GRCh38, 1-based): chr11:1,585,152-1,585,172, GAGCCACAGCCCCCACAGCCG deleted on the plus strand (CGGCTGTGGGGGCTGTGGCTC on the coding strand, the reverse complement: KRTAP5-1 is on the minus strand); deleting any 21 consecutive bases within chr11:1,585,152-1,585,212 gives the same sequence; the position shown is the placement nearest the transcript's 3' end. VCF-style (leftmost placement, unchanged base first): chr11-1585151-AGAGCCACAGCCCCCACAGCCG-A. GRCh37 (hg19) VCF-style: chr11-1606381-AGAGCCACAGCCCCCACAGCCG-A.
Identifiers: ClinVar variation 2641347 (VCV002641347.24), dbSNP rs754294371, ClinGen allele CA5812578.

ClinVar aggregate classification (germline): Likely benign (1 of 4 stars; one submission).

Submission:

CeGaT Center for Human Genetics Tuebingen
Classification: Likely benign. Last evaluated: 2023-02-01. Review status: criteria provided, single submitter. Criteria: CeGaT Center For Human Genetics Tuebingen Variant Classification Criteria Version 2. Collection method: clinical testing. Allele origin: germline. Affected: yes. Observed: 1 variant allele.
Comment: KRTAP5-1: BS2